The following is an entry in ClinVar:

ClinVar aggregate classification (germline): Uncertain significance (1 of 4 stars; one submission).

Conditions:
Neurofibromatosis, type 1 (NF1). Also called: Neurofibromatosis, type I; VON RECKLINGHAUSEN DISEASE; Peripheral type neurofibromatosis; NEUROFIBROMATOSIS, TYPE I, SOMATIC. Identifiers: Orphanet 636, MedGen C0027831, MONDO:0018975, OMIM 162200. Disease mechanism: loss of function.

Submission:

Labcorp Genetics (formerly Invitae), Labcorp
Classification: Uncertain significance for Neurofibromatosis, type 1. Last evaluated: 2022-03-23. Review status: criteria provided, single submitter. Criteria: Invitae Variant Classification Sherloc (09022015). Collection method: clinical testing. Allele origin: germline.
Comment: In summary, the available evidence is currently insufficient to determine the role of this variant in disease. Therefore, it has been classified as a Variant of Uncertain Significance. Algorithms developed to predict the effect of missense changes on protein structure and function are either unavailable or do not agree on the potential impact of this missense change (SIFT: "Deleterious"; PolyPhen-2: "Benign"; Align-GVGD: "Class C0"). This variant has not been reported in the literature in individuals affected with NF1-related conditions. This variant is not present in population databases (gnomAD no frequency). This sequence change replaces serine, which is neutral and polar, with asparagine, which is neutral and polar, at codon 1373 of the NF1 protein (p.Ser1373Asn).

NM_001042492.3(NF1):c.4181G>A (p.Ser1394Asn)

Gene: NF1 (neurofibromin 1; plus strand). Cytogenetic location: 17q11.2.
Variant type: single nucleotide variant.
Coding change: c.4181G>A on transcript NM_001042492.3 (MANE Select); coding-DNA position 4181, G replaced by A.
Protein change: p.Ser1394Asn; replaces serine 1394 with asparagine.
Molecular consequence: missense variant.
Genome position (GRCh38, 1-based): chr17:31,258,351, G>A. VCF-style: chr17-31258351-G-A. GRCh37 (hg19) VCF-style: chr17-29585369-G-A.
Other names: c.4118G>A, p.Ser1373Asn (NM_000267.4); short protein forms S1373N, S1394N.
Identifiers: ClinVar variation 2161948 (VCV002161948.4), dbSNP rs2151461774, ClinGen allele CA398997521.